The following is an entry in ClinVar:

NM_173660.5(DOK7):c.1393A>G (p.Thr465Ala)

Gene: DOK7 (docking protein 7; plus strand). Cytogenetic location: 4p16.3.
Variant type: single nucleotide variant.
Coding change: c.1393A>G on transcript NM_173660.5 (MANE Select); coding-DNA position 1393, A replaced by G.
Protein change: p.Thr465Ala; replaces threonine 465 with alanine.
Molecular consequence: missense variant. On other transcripts: 3 prime UTR variant (1).
Genome position (GRCh38, 1-based): chr4:3,493,379, A>G. VCF-style: chr4-3493379-A-G. GRCh37 (hg19) VCF-style: chr4-3495106-A-G.
Other names: c.*614A>G (NM_001164673.2); c.463A>G, p.Thr155Ala (NM_001256896.2); c.1393A>G, p.Thr465Ala (NM_001301071.2); c.961A>G, p.Thr321Ala (NM_001363811.2); short protein forms T465A, T155A, T321A.
Identifiers: ClinVar variation 571711 (VCV000571711.10), dbSNP rs765625554, ClinGen allele CA2829500.

ClinVar aggregate classification (germline): Uncertain significance. Review status: criteria provided, multiple submitters, no conflicts (2 of 4 stars). 4 submissions from 4 submitters: Uncertain significance (4). Last evaluated 2024-01-17.

Conditions:
Fetal akinesia deformation sequence 1 (FADS1). Also called: Fetal akinesia sequence; Pena-Shokeir syndrome type I. Identifiers: Orphanet 994, MedGen C1276035, MONDO:0100101, OMIM 208150, HP:0001989.
Congenital myasthenic syndrome 10. Also called: Myasthenia, limb-girdle, familial. Identifiers: Orphanet 590, MedGen C1850792, MONDO:0009690, OMIM 254300.
Inborn genetic diseases. Identifiers: MedGen C0950123, MeSH D030342.

Allele frequency attached by ClinVar (database versions not stated): gnomAD 0.00005 and 0.00006; TOPMed 0.00008; ExAC 0.00013.
gnomAD v4.1: 150 of 1,595,050 alleles (0.0094%); highest among the groups gnomAD compares: Non-Finnish European, 0.012%; no homozygotes.

Submissions (4):

Ambry Genetics
Classification: Uncertain significance for Inborn genetic diseases. Last evaluated: 2024-01-17. Review status: criteria provided, single submitter. Criteria: Ambry Variant Classification Scheme 2023. Collection method: clinical testing. Allele origin: germline.

Labcorp Genetics (formerly Invitae), Labcorp
Classification: Uncertain significance for Congenital myasthenic syndrome 10; Fetal akinesia deformation sequence 1. Last evaluated: 2022-08-05. Review status: criteria provided, single submitter. Criteria: Invitae Variant Classification Sherloc (09022015). Collection method: clinical testing. Allele origin: germline.
Comment: This sequence change replaces threonine, which is neutral and polar, with alanine, which is neutral and non-polar, at codon 465 of the DOK7 protein (p.Thr465Ala). This variant is present in population databases (rs765625554, gnomAD 0.01%). This variant has not been reported in the literature in individuals affected with DOK7-related conditions. ClinVar contains an entry for this variant (Variation ID: 571711). Algorithms developed to predict the effect of missense changes on protein structure and function output the following: SIFT: "Tolerated"; PolyPhen-2: "Benign"; Align-GVGD: "Class C0". The alanine amino acid residue is found in multiple mammalian species, which suggests that this missense change does not adversely affect protein function. In summary, the available evidence is currently insufficient to determine the role of this variant in disease. Therefore, it has been classified as a Variant of Uncertain Significance.

Revvity Omics, Revvity
Classification: Uncertain significance. Last evaluated: 2019-09-09. Review status: criteria provided, single submitter. Criteria: ACMG Guidelines, 2015. Collection method: clinical testing. Allele origin: germline.

GeneDx
Classification: Uncertain significance. Last evaluated: 2019-06-06. Review status: criteria provided, single submitter. Criteria: GeneDx Variant Classification Process June 2021. Collection method: clinical testing. Allele origin: germline. Affected: yes.
Comment: Not observed at a significant frequency in large population cohorts (Lek et al., 2016); In silico analysis, which includes protein predictors and evolutionary conservation, supports that this variant does not alter protein structure/function; Has not been previously published as pathogenic or benign to our knowledge